The following is an entry in ClinVar:

NM_003190.5(TAPBP):c.369G>A (p.Trp123Ter)

Gene: TAPBP (TAP binding protein; minus strand). Cytogenetic location: 6p21.32.
Variant type: single nucleotide variant.
Coding change: c.369G>A on transcript NM_003190.5 (MANE Select); coding-DNA position 369, G replaced by A.
Protein change: p.Trp123Ter; replaces tryptophan 123 with a stop codon.
Molecular consequence: nonsense. On other transcripts: intron variant (1).
Genome position (GRCh38, 1-based): chr6:33,313,317, C>T on the plus strand (G>A on the coding strand, the complement: TAPBP is on the minus strand). VCF-style: chr6-33313317-C-T. GRCh37 (hg19) VCF-style: chr6-33281094-C-T.
Other names: c.369G>A, p.Trp123Ter (NM_172208.3); c.208+377G>A (NM_172209.3); short protein forms W123*.
Identifiers: ClinVar variation 534710 (VCV000534710.6), dbSNP rs1554279286, ClinGen allele CA363620873.

ClinVar aggregate classification (germline): Uncertain significance (1 of 4 stars; one submission).

Conditions:
MHC class I deficiency. Identifiers: Orphanet 34592, MedGen C6024714, MONDO:0011476.

Submission:

Labcorp Genetics (formerly Invitae), Labcorp
Classification: Uncertain significance for MHC class I deficiency 1. Last evaluated: 2017-10-08. Review status: criteria provided, single submitter. Criteria: Invitae Variant Classification Sherloc (09022015). Collection method: clinical testing. Allele origin: germline.
Comment: In summary, the available evidence is currently insufficient to determine the role of this variant in disease. Therefore, it has been classified as a Variant of Uncertain Significance. The current clinical and genetic evidence is not sufficient to establish whether loss-of-function variants in TAPBP cause disease. This variant has not been reported in the literature in individuals with TAPBP-related disease. This variant is not present in population databases (ExAC no frequency). This sequence change creates a premature translational stop signal (p.Trp123*) in the TAPBP gene. It is expected to result in an absent or disrupted protein product.